The following is an entry in ClinVar:

NM_006904.7(PRKDC):c.1559A>T (p.Lys520Met)

Gene: PRKDC (protein kinase, DNA-activated, catalytic subunit; minus strand). Cytogenetic location: 8q11.21.
Variant type: single nucleotide variant.
Coding change: c.1559A>T on transcript NM_006904.7 (MANE Select); coding-DNA position 1559, A replaced by T.
Protein change: p.Lys520Met; replaces lysine 520 with methionine.
Molecular consequence: missense variant.
Genome position (GRCh38, 1-based): chr8:47,934,029, T>A on the plus strand (A>T on the coding strand, the complement: PRKDC is on the minus strand). VCF-style: chr8-47934029-T-A. GRCh37 (hg19) VCF-style: chr8-48846589-T-A.
Other names: c.1559A>T, p.Lys520Met (NM_001081640.2); short protein forms K520M.
Identifiers: ClinVar variation 3688316 (VCV003688316.2).

ClinVar aggregate classification (germline): Uncertain significance (1 of 4 stars; one submission).

Conditions:
Severe combined immunodeficiency due to DNA-PKcs deficiency. Also called: IMMUNODEFICIENCY 26 WITH NEUROLOGIC ABNORMALITIES; Immunodeficiency 26 with or without neurologic abnormalities. Identifiers: Orphanet 317425, MedGen C4014833, MONDO:0014423, OMIM 615966.

Submission:

Labcorp Genetics (formerly Invitae), Labcorp
Classification: Uncertain significance for Severe combined immunodeficiency due to DNA-PKcs deficiency. Last evaluated: 2024-11-27. Review status: criteria provided, single submitter. Criteria: Invitae Variant Classification Sherloc (09022015). Collection method: clinical testing. Allele origin: germline.
Comment: This sequence change replaces lysine, which is basic and polar, with methionine, which is neutral and non-polar, at codon 520 of the PRKDC protein (p.Lys520Met). This variant is not present in population databases (gnomAD no frequency). This variant has not been reported in the literature in individuals affected with PRKDC-related conditions. Invitae Evidence Modeling of protein sequence and biophysical properties (such as structural, functional, and spatial information, amino acid conservation, physicochemical variation, residue mobility, and thermodynamic stability) indicates that this missense variant is not expected to disrupt PRKDC protein function with a negative predictive value of 80%. In summary, the available evidence is currently insufficient to determine the role of this variant in disease. Therefore, it has been classified as a Variant of Uncertain Significance.